The following is an entry in ClinVar:

NM_001854.4(COL11A1):c.898-186G>A

Gene: COL11A1 (collagen type XI alpha 1 chain; minus strand). Cytogenetic location: 1p21.1.
Variant type: single nucleotide variant.
Coding change: c.898-186G>A on transcript NM_001854.4 (MANE Select); 186 bases into the intron before coding-DNA position 898, G replaced by A.
Molecular consequence: intron variant. On other transcripts: splice donor variant (1).
Genome position (GRCh38, 1-based): chr1:103,025,799, C>T on the plus strand (G>A on the coding strand, the complement: COL11A1 is on the minus strand). VCF-style: chr1-103025799-C-T. GRCh37 (hg19) VCF-style: chr1-103491355-C-T.
Other names: c.781-186G>A (NM_001190709.2); c.933+1G>A (NM_080629.3); c.897+417G>A (NM_080630.4).
Identifiers: ClinVar variation 1304188 (VCV001304188.3), dbSNP rs1667461680, ClinGen allele CA341155823.

ClinVar aggregate classification (germline): Uncertain significance (1 of 4 stars; one submission).

gnomAD v4.1: 5 of 1,612,918 alleles (0.00031%); highest among the groups gnomAD compares: East Asian, 0.0022%; no homozygotes.

Submission:

GeneDx
Classification: Uncertain significance. Last evaluated: 2024-10-11. Review status: criteria provided, single submitter. Criteria: GeneDx Variant Classification Process June 2021. Collection method: clinical testing. Allele origin: germline. Affected: yes.
Comment: Not observed at significant frequency in large population cohorts (gnomAD); Canonical splice site variant with an unclear effect on protein function; Has not been previously published as pathogenic or benign to our knowledge; Reported using an alternate transcript of the gene